The following is an entry in ClinVar:

ClinVar aggregate classification (germline): Uncertain significance (1 of 4 stars; one submission).

Submission:

Labcorp Genetics (formerly Invitae), Labcorp
Classification: Uncertain significance. Last evaluated: 2022-07-21. Review status: criteria provided, single submitter. Criteria: Invitae Variant Classification Sherloc (09022015). Collection method: clinical testing. Allele origin: germline.
Comment: This variant has not been reported in the literature in individuals affected with UNC80-related conditions. This variant is not present in population databases (gnomAD no frequency). This sequence change replaces lysine, which is basic and polar, with arginine, which is basic and polar, at codon 1735 of the UNC80 protein (p.Lys1735Arg). Algorithms developed to predict the effect of missense changes on protein structure and function are either unavailable or do not agree on the potential impact of this missense change (SIFT: "Not Available"; PolyPhen-2: "Probably Damaging"; Align-GVGD: "Not Available"). In summary, the available evidence is currently insufficient to determine the role of this variant in disease. Therefore, it has been classified as a Variant of Uncertain Significance.

NM_001371986.1(UNC80):c.5402A>G (p.Lys1801Arg)

Gene: UNC80 (unc-80 subunit of NALCN channel complex; plus strand). Cytogenetic location: 2q34.
Variant type: single nucleotide variant.
Coding change: c.5402A>G on transcript NM_001371986.1 (MANE Select); coding-DNA position 5402, A replaced by G.
Protein change: p.Lys1801Arg; replaces lysine 1801 with arginine.
Molecular consequence: missense variant.
Genome position (GRCh38, 1-based): chr2:209,921,558, A>G. VCF-style: chr2-209921558-A-G. GRCh37 (hg19) VCF-style: chr2-210786282-A-G.
Other names: c.5204A>G, p.Lys1735Arg (NM_032504.2); c.5189A>G, p.Lys1730Arg (NM_182587.4); short protein forms K1730R, K1735R, K1801R.
Identifiers: ClinVar variation 1722259 (VCV001722259.5), dbSNP rs2471132893, ClinGen allele CA350762041.